The following is an entry in ClinVar:

NM_001195263.2(PDZD7):c.2159T>G (p.Val720Gly)

Gene: PDZD7 (PDZ domain containing 7; minus strand). Cytogenetic location: 10q24.31.
Variant type: single nucleotide variant.
Coding change: c.2159T>G on transcript NM_001195263.2 (MANE Select); coding-DNA position 2159, T replaced by G.
Protein change: p.Val720Gly; replaces valine 720 with glycine.
Molecular consequence: missense variant.
Genome position (GRCh38, 1-based): chr10:101,010,730, A>C on the plus strand (T>G on the coding strand, the complement: PDZD7 is on the minus strand). VCF-style: chr10-101010730-A-C. GRCh37 (hg19) VCF-style: chr10-102770487-A-C.
Other names: short protein forms V720G.
Identifiers: ClinVar variation 2752119 (VCV002752119.3), dbSNP rs1312196031, ClinGen allele CA378225066.

ClinVar aggregate classification (germline): Uncertain significance (1 of 4 stars; one submission).

Submission:

Labcorp Genetics (formerly Invitae), Labcorp
Classification: Uncertain significance. Last evaluated: 2023-08-19. Review status: criteria provided, single submitter. Criteria: Invitae Variant Classification Sherloc (09022015). Collection method: clinical testing. Allele origin: germline.
Comment: Advanced modeling of protein sequence and biophysical properties (such as structural, functional, and spatial information, amino acid conservation, physicochemical variation, residue mobility, and thermodynamic stability) performed at Invitae indicates that this missense variant is not expected to disrupt PDZD7 protein function. In summary, the available evidence is currently insufficient to determine the role of this variant in disease. Therefore, it has been classified as a Variant of Uncertain Significance. This variant has not been reported in the literature in individuals affected with PDZD7-related conditions. This variant is not present in population databases (gnomAD no frequency). This sequence change replaces valine, which is neutral and non-polar, with glycine, which is neutral and non-polar, at codon 720 of the PDZD7 protein (p.Val720Gly).